The following is an entry in ClinVar:

NM_000478.6(ALPL):c.1366G>A (p.Gly456Arg)

Gene: ALPL (alkaline phosphatase, biomineralization associated; plus strand). Cytogenetic location: 1p36.12.
Variant type: single nucleotide variant.
Coding change: c.1366G>A on transcript NM_000478.6 (MANE Select); coding-DNA position 1366, G replaced by A.
Protein change: p.Gly456Arg; replaces glycine 456 with arginine.
Molecular consequence: missense variant.
Genome position (GRCh38, 1-based): chr1:21,577,439, G>A. VCF-style: chr1-21577439-G-A. GRCh37 (hg19) VCF-style: chr1-21903932-G-A.
Other names: G439R; c.1366G>A (NM_000478.4, NM_000478.5); c.1201G>A, p.Gly401Arg (NM_001127501.4); c.1135G>A, p.Gly379Arg (NM_001177520.3); c.1366G>A, p.Gly456Arg (NM_001369803.2, NM_001369804.2, NM_001369805.2); short protein forms G456R, G379R, G401R.
Identifiers: ClinVar variation 13681 (VCV000013681.17), dbSNP rs121918016, ClinGen allele CA256934.

ClinVar aggregate classification (germline): Pathogenic/Likely pathogenic. Review status: criteria provided, multiple submitters, no conflicts (2 of 4 stars). 9 submissions from 9 submitters: Pathogenic (7); Likely pathogenic (1). 1 of the submissions does not count toward it. Last evaluated 2026-06-22.

Conditions:
Hypophosphatasia. Also called: Phosphoethanol-aminuria. Identifiers: Orphanet 436, MedGen C0020630, MeSH D007014, MONDO:0018570.
Infantile hypophosphatasia. Identifiers: Orphanet 247651, Orphanet 436, MedGen C0268412, MONDO:1010169, OMIM 241500, MONDO:0009427.
Adult hypophosphatasia. Identifiers: Orphanet 247676, Orphanet 436, MedGen C0268413, MONDO:1010154, OMIM 146300, MONDO:0007798.

Allele frequency attached by ClinVar (database versions not stated): gnomAD exomes below 0.00001.
gnomAD v4.1: 1 of 1,612,420 alleles (0.000062%); highest among the groups gnomAD compares: Non-Finnish European, 0.000085%; no homozygotes.

Submissions (9):

Women's Health and Genetics/Laboratory Corporation of America, LabCorp
Classification: Pathogenic for Hypophosphatasia. Last evaluated: 2026-06-22. Review status: criteria provided, single submitter. Criteria: LabCorp Variant Classification Summary - May 2015. Collection method: clinical testing. Allele origin: germline.
Comment: Variant summary: ALPL c.1366G>A (p.Gly456Arg) results in a non-conservative amino acid change in the encoded protein sequence. Algorithms developed to predict the effect of missense changes on protein structure and function all suggest that this variant is likely to be disruptive. The variant was absent in 244944 control chromosomes. c.1366G>A has been observed in at least 3 individual(s) affected with ALPL-related conditions in the presumed compound heterozygous or heterozygous state (example, del Angel_2020). These data indicate that the variant may be associated with disease. At least one publication reports experimental evidence evaluating an impact on protein function. The most pronounced variant effect results in <10% of normal activity in vitro (example, del Angel_2020). A different variant affecting the same codon has been classified as likely pathogenic/pathogenic (c.1367G>A, p.Gly456Glu) by our lab, supporting the critical relevance of codon 456 to ALPL protein function. The following publication has been ascertained in the context of this evaluation (PMID: 32160374). ClinVar contains an entry for this variant (Variation ID: 13681). Based on the evidence outlined above, the variant was classified as pathogenic for autosomal dominant and autosomal recessive Hypophosphatasia.

GeneDx
Classification: Pathogenic. Last evaluated: 2026-04-19. Review status: criteria provided, single submitter. Criteria: GeneDx Variant Classification Process June 2021. Collection method: clinical testing. Allele origin: germline.
Comment: Published functional studies demonstrate a significant loss of enzymatic activity of ALP-G456R (PMID: 19500388, 8954059); Not observed at significant frequency in large population cohorts (gnomAD); In silico analysis supports that this missense variant has a deleterious effect on protein structure/function; This variant is associated with the following publications: (PMID: 32160374, 8954059, 19500388, 34258332, 31641588, 34633109)

Labcorp Genetics (formerly Invitae), Labcorp
Classification: Pathogenic. Last evaluated: 2026-01-11. Review status: criteria provided, single submitter. Criteria: Invitae Variant Classification Sherloc (09022015). Collection method: clinical testing. Allele origin: germline.
Comment: This sequence change replaces glycine, which is neutral and non-polar, with arginine, which is basic and polar, at codon 456 of the ALPL protein (p.Gly456Arg). This variant is not present in population databases (gnomAD no frequency). This missense change has been observed in individual(s) with autosomal dominant hypophosphatasia (PMID: 8954059, 19500388, 31641588). This variant is also known as Gly439Arg. ClinVar contains an entry for this variant (Variation ID: 13681). Invitae Evidence Modeling of protein sequence and biophysical properties (such as structural, functional, and spatial information, amino acid conservation, physicochemical variation, residue mobility, and thermodynamic stability) indicates that this missense variant is expected to disrupt ALPL protein function with a positive predictive value of 95%. Experimental studies have shown that this missense change affects ALPL function (PMID: 8954059, 19500388). For these reasons, this variant has been classified as Pathogenic.

Genomenon, Inc
Classification: Pathogenic for Hypophosphatasia. Last evaluated: 2025-08-29. Review status: criteria provided, single submitter. Criteria: Genomenon Sequence Variant Interpretation Standards. Collection method: curation. Allele origin: germline. Affected: yes.
Comment: ALPL c.1366G>A is a missense variant that changes the amino acid at residue 456 from Glycine to Arginine. This variant has been observed in at least one proband affected with hypophosphatasia (PMID:19500388;34258332;31267001;31641588;26783040;8954059;32811521;15660230;24276437). The variant was found to segregate with disease in at least one affected family (PMID:31641588). At least one functional study has demonstrated a substantial alteration in protein function relative to the wild-type (PMID:19500388). It is absent or not present at a significant frequency in gnomAD. In silico models agree that this variant is possibly or probably damaging. In conclusion, we classify ALPL p.Gly456Arg (c.1366G>A) as a pathogenic variant.

Center for Genomic Medicine, Rigshospitalet, Copenhagen University Hospital
Classification: Pathogenic. Last evaluated: 2025-03-04. Review status: criteria provided, single submitter. Criteria: ACMG Guidelines, 2015. Collection method: clinical testing. Allele origin: germline.
Comment: Classification criteria: PS3, PM2_supporting, PP3_strong, PP4

Clinical Genetics Laboratory, Skane University Hospital Lund
Classification: Pathogenic for Hypophosphatasia. Last evaluated: 2024-06-11. Review status: criteria provided, single submitter. Criteria: ACMG Guidelines, 2015. Collection method: clinical testing. Allele origin: germline. Affected: yes.
Comment: PS3, PS4, PM2, PP3

JKU Lab, Dept of Paediatrics, Johannes Kepler University
Classification: Likely pathogenic for Hypophosphatasia. Last evaluated: 2023-08-22. Review status: criteria provided, single submitter. Criteria: ACMG Guidelines, 2015. Collection method: clinical testing. Allele origin: germline. Affected: yes. Observed: 1 heterozygote.
Comment: Absent in GnomAD.

Victorian Clinical Genetics Services, Murdoch Childrens Research Institute
Classification: Pathogenic for Adult hypophosphatasia. Last evaluated: 2022-09-02. Review status: criteria provided, single submitter. Criteria: ACMG Guidelines, 2015. Collection method: clinical testing. Allele origin: germline. Affected: yes.
Comment: Based on the classification scheme VCGS_Germline_v1.3.4, this variant is classified as Pathogenic. Following criteria are met: 0103 - Dominant negative and loss of function are known mechanisms of disease in this gene. Late-onset/mild disease is associated with monoallelic dominant negative variants or biallelic loss of function variants that retain residual enzyme activity, while early-onset/severe disease is caused by more complete loss of function variants (PMIDs: 20301329, 19500388). (I) 0108 - This gene is associated with both recessive and dominant disease. Severe forms of hypophosphatasia (perinatal and infantile) are generally associated with autosomal recessive disease, while the milder forms of hypophosphatasia (childhood, adult and odonto) have been associated with both autosomal dominant and recessive disease (PMID: 19500388, 23688511). (I) 0112 - The condition associated with this gene has incomplete penetrance (PMID: 20301329). (I) 0115 - Variants in this gene are known to have variable expressivity (PMID: 20301329). (I) 0200 - Variant is predicted to result in a missense amino acid change from glycine to arginine. (I) 0251 - This variant is heterozygous. (I) 0301 - Variant is absent from gnomAD (both v2 and v3). (SP) 0501 - Missense variant consistently predicted to be damaging by multiple in silico tools or highly conserved with a major amino acid change. (SP) 0600 - Variant is located in the annotated alkaline phosphatase domain (DECIPHER). (I) 0703 - Other missense variants comparable to the one identified in this case have moderate previous evidence for pathogenicity. These alternative changes, p.(Gly456Ala) and p.(Gly456Glu), have been reported as pathogenic or likely pathogenic (ClinVar). (SP) 0801 - This variant has strong previous evidence of pathogenicity in unrelated individuals. This variant has been classified as pathogenic (ClinVar), and observed in both a compound heterozygous individual with neonatal hypophosphatasia (PMID: 8954059), and heterozygous individuals with hypophosphatasia or infantile hypophosphatasia (PMID: 31641588, 31267001, 34258332, 19500388). (SP) 1002 - This variant has moderate functional evidence supporting abnormal protein function. Transfected COS-7 cells have demonstrated significantly reduced ALP enzyme activity (PMID: 8954059). (I) Legend: (SP) - Supporting pathogenic, (I) - Information, (SB) - Supporting benign

OMIM
Classification: Pathogenic for HYPOPHOSPHATASIA, INFANTILE. Last evaluated: 1996-12-01. Review status: no assertion criteria provided. Collection method: literature only. Allele origin: germline. Not counted in ClinVar's aggregate classification.

Literature cited by the submitters: PubMed 32160374 (cited by Women's Health and Genetics/Laboratory Corporation of America, LabCorp and Center for Genomic Medicine, Rigshospitalet, Copenhagen University Hospital); PubMed 8954059 (cited by 4 submitters); PubMed 19500388 (cited by 4 submitters); PubMed 31641588 (cited by 3 submitters); PubMed 34258332 (cited by 3 submitters); PubMed 31267001 (cited by Genomenon, Inc and Victorian Clinical Genetics Services, Murdoch Childrens Research Institute); PubMed 26783040 (cited by Genomenon, Inc); PubMed 32811521 (cited by Genomenon, Inc); PubMed 15660230 (cited by Genomenon, Inc); PubMed 24276437 (cited by Genomenon, Inc); PubMed 20301329 (cited by Victorian Clinical Genetics Services, Murdoch Childrens Research Institute); PubMed 23688511 (cited by Victorian Clinical Genetics Services, Murdoch Childrens Research Institute).